The following is an entry in ClinVar:

NM_000051.4(ATM):c.7570G>C (p.Ala2524Pro)

Genes: C11orf65 (chromosome 11 open reading frame 65; minus strand), ATM (ATM serine/threonine kinase; plus strand). Cytogenetic location: 11q22.3.
Variant type: single nucleotide variant.
Coding change: c.7570G>C on transcript NM_000051.4 (MANE Select); coding-DNA position 7570, G replaced by C.
Protein change: p.Ala2524Pro; replaces alanine 2524 with proline.
Molecular consequence: missense variant. On other transcripts: non-coding transcript variant (1), intron variant (2).
Genome position (GRCh38, 1-based): chr11:108,331,498, G>C. VCF-style: chr11-108331498-G-C. GRCh37 (hg19) VCF-style: chr11-108202225-G-C.
Other names: c.7570G>C, p.Ala2524Pro (NM_001351834.2); c.641-22427C>G (NM_001330368.2); c.*38+3722C>G (NM_001351110.2); short protein forms A2524P.
Identifiers: ClinVar variation 187613 (VCV000187613.21), dbSNP rs769142993, ClinGen allele CA198094.
Genomic context (GRCh38, chr11:108,331,498, plus strand): 5'-TGGTAGAGAGACGGAATGAAGATTCCAACATATAAATTTTTGCCTCTTATGTACCAATTG[G>C]CTGCTAGAATGGGGACCAAGATGATGGGAGGCCTAGGATTTCATGAAGTCCTCAATAATG-3'
Protein context (NP_000042.3, residues 2514-2534): YKFLPLMYQL[Ala2524Pro]ARMGTKMMGG

ClinVar aggregate classification (germline): Pathogenic/Likely pathogenic. Review status: criteria provided, multiple submitters, no conflicts (2 of 4 stars). 5 submissions from 5 submitters: Pathogenic (3); Likely pathogenic (2). Last evaluated 2026-06-01.

Conditions:
ATM-related disorder. Also called: ATM-related disorders; ATM-related condition.
Hereditary cancer-predisposing syndrome. Also called: Hereditary Cancer Syndrome; Tumor predisposition; Neoplastic Syndromes, Hereditary; Hereditary neoplastic syndrome. Identifiers: Orphanet 140162, MedGen C0027672, MeSH D009386, MONDO:0015356.
Ataxia-telangiectasia syndrome (AT). Also called: ATAXIA-TELANGIECTASIA, COMPLEMENTATION GROUP A; ATAXIA-TELANGIECTASIA, FRESNO VARIANT; Ataxia-telangiectasia; Ataxia-telangiectasia, complementation group E; Cerebello-oculocutaneous telangiectasia; Immunodeficiency with ataxia telangiectasia. Identifiers: Orphanet 100, MedGen C0004135, MONDO:0008840, OMIM 208900.
Familial cancer of breast. Also called: hereditary breast carcinoma; BREAST CANCER, FAMILIAL; Hereditary breast cancer. Identifiers: Orphanet 227535, MedGen C0346153, MONDO:0016419, OMIM 114480. Disease mechanism: loss of function.

Allele frequency attached by ClinVar (database versions not stated): gnomAD exomes 0.00002; gnomAD 0.00001; ExAC 0.00002.
gnomAD v4.1: 15 of 1,613,158 alleles (0.00093%); no homozygotes.

Submissions (5):

Myriad Genetics, Inc.
Classification: Likely pathogenic for Familial cancer of breast. Last evaluated: 2026-06-01. Review status: criteria provided, single submitter. Criteria: Myriad Autosomal Dominant, Autosomal Recessive and X-Linked Classification Criteria (2023). Collection method: clinical testing. Allele origin: unknown.
Comment: This variant is considered likely pathogenic. Functional studies indicate this variant impacts protein function [PMID: 40105422, 17166884, 22071889]. This variant is expected to disrupt protein structure [Myriad internal data]. This variant has been reported in multiple individuals with clinical features of gene-specific disease [PMID: 11897822, 17166884, 28691344, 21665257].

Ambry Genetics
Classification: Likely pathogenic for Hereditary cancer-predisposing syndrome. Last evaluated: 2025-07-21. Review status: criteria provided, single submitter. Criteria: Ambry Variant Classification Scheme 2023. Collection method: clinical testing. Allele origin: germline.
Comment: The p.A2524P variant (also known as c.7570G>C), located in coding exon 50 of the ATM gene, results from a G to C substitution at nucleotide position 7570. The alanine at codon 2524 is replaced by proline, an amino acid with highly similar properties. This variant has been identified in the homozygous state and/or in conjunction with other ATM variant(s) in individual(s) with features consistent with ataxia telangiectasia (AT) (Allinen M et al. J Med Genet. 2002 Mar;39(3):192-6). This alteration has also been observed as heterozygous in multiple individuals diagnosed with breast or prostate cancer (Allinen M et al. J Med Genet. 2002 Mar;39(3):192-6; Bubien V et al. Genes Chromosomes Cancer. 2017 Nov;56(11):788-799; Nurmi A et al. Int. J. Cancer, 2019 11;145:2692-2700; Rantapero T et al. Genes (Basel), 2020 03;11:; Karlsson Q et al. Eur Urol Oncol, 2021 Aug;4:570-579). One functional study demonstrated that this alteration leads to a stable protein that is defective in kinase activity (Pylkas K et al. Carcinogenesis. 2007 May;28(5):1040-5). A second functional study demonstrated that this alteration leads to a significantly decreased response to ionizing radiation that is similar to that of a control AT cell line (Jacquemin V et al. Eur J Hum Genet. 2012 Mar;20(3):305-12). This amino acid position is highly conserved in available vertebrate species. In addition, this alteration is predicted to be deleterious by in silico analysis. Based on the majority of available evidence to date, this variant is likely to be pathogenic.

Blueprint Genetics
Classification: Pathogenic for ATM-related disorders. Last evaluated: 2024-10-25. Review status: criteria provided, single submitter. Criteria: ACMG Guidelines, 2015. Collection method: clinical testing. Allele origin: germline. Affected: yes. Observed: 5 variant alleles.

Labcorp Genetics (formerly Invitae), Labcorp
Classification: Pathogenic for Ataxia-telangiectasia syndrome. Last evaluated: 2024-08-06. Review status: criteria provided, single submitter. Criteria: Invitae Variant Classification Sherloc (09022015). Collection method: clinical testing. Allele origin: germline.
Comment: This sequence change replaces alanine, which is neutral and non-polar, with proline, which is neutral and non-polar, at codon 2524 of the ATM protein (p.Ala2524Pro). This variant is present in population databases (rs769142993, gnomAD 0.03%). This missense change has been observed in individual(s) with ataxia-telangiectasia and/or ATM-related cancers (PMID: 10980530, 11897822, 16622469). In at least one individual the data is consistent with being in trans (on the opposite chromosome) from a pathogenic variant. ClinVar contains an entry for this variant (Variation ID: 187613). An algorithm developed to predict the effect of missense changes on protein structure and function (PolyPhen-2) suggests that this variant is likely to be disruptive. Experimental studies have shown that this missense change affects ATM function (PMID: 17166884, 22071889). For these reasons, this variant has been classified as Pathogenic.

GeneDx
Classification: Pathogenic. Last evaluated: 2024-02-20. Review status: criteria provided, single submitter. Criteria: GeneDx Variant Classification Process June 2021. Collection method: clinical testing. Allele origin: germline. Affected: yes.
Comment: Observed in the compound heterozygous or homozygous state in multiple unrelated patients with ataxia-telangiectasia, and confirmed to be on the opposite allele (in trans) with a pathogenic variant in at least one individual (PMID: 10980530, 11897822, 22071889); Published functional studies suggest a damaging effect: defective kinase activity (PMID: 17166884, 22071889); In silico analysis supports that this missense variant has a deleterious effect on protein structure/function; This variant is associated with the following publications: (PMID: 16622469, 16914028, 30927251, 32853339, 35095854, 33436325, 32183364, 29922827, 36467798, 20346647, 11897822, 10980530, 19224889, 22071889, 17166884, 23532176, 36551643, 36161273, 37578974)

Literature cited by the submitters: PubMed 40105422 (cited by Myriad Genetics, Inc.); PubMed 17166884 (cited by Myriad Genetics, Inc. and Labcorp Genetics (formerly Invitae), Labcorp); PubMed 22071889 (cited by Myriad Genetics, Inc. and Labcorp Genetics (formerly Invitae), Labcorp); PubMed 11897822 (cited by Myriad Genetics, Inc. and Labcorp Genetics (formerly Invitae), Labcorp); PubMed 28691344 (cited by Myriad Genetics, Inc.); PubMed 21665257 (cited by Myriad Genetics, Inc.); PubMed 30927251 (cited by Ambry Genetics); PubMed 32183364 (cited by Ambry Genetics); PubMed 33436325 (cited by Ambry Genetics); PubMed 10980530 (cited by Labcorp Genetics (formerly Invitae), Labcorp); PubMed 16622469 (cited by Labcorp Genetics (formerly Invitae), Labcorp).